The following is an entry in ClinVar:

NM_025114.4(CEP290):c.6359C>G (p.Ser2120Cys)

Gene: CEP290 (centrosomal protein 290; minus strand). Cytogenetic location: 12q21.32.
Variant type: single nucleotide variant.
Coding change: c.6359C>G on transcript NM_025114.4 (MANE Select); coding-DNA position 6359, C replaced by G.
Protein change: p.Ser2120Cys; replaces serine 2120 with cysteine.
Molecular consequence: missense variant.
Genome position (GRCh38, 1-based): chr12:88,060,993, G>C on the plus strand (C>G on the coding strand, the complement: CEP290 is on the minus strand). VCF-style: chr12-88060993-G-C. GRCh37 (hg19) VCF-style: chr12-88454770-G-C.
Other names: short protein forms S2120C.
Identifiers: ClinVar variation 4988729 (VCV004988729.1).

ClinVar aggregate classification (germline): Uncertain significance (1 of 4 stars; one submission).

Conditions:
CEP290-related disorder. Also called: CEP290-related condition; CEP290-related disorders. Identifiers: MedGen CN239314.

gnomAD v4.1: 6 of 1,538,832 alleles (0.00039%); highest among the groups gnomAD compares: Admixed American, 0.0043%; no homozygotes.

Submission:

PreventionGenetics, part of Exact Sciences
Classification: Uncertain significance for CEP290-related condition. Last evaluated: 2026-01-21. Review status: criteria provided, single submitter. Criteria: ACMG Guidelines, 2015. Collection method: clinical testing. Allele origin: germline.
Comment: The CEP290 c.6359C>G variant is predicted to result in the amino acid substitution p.Ser2120Cys. To our knowledge, this variant has not been reported in the literature. This variant is reported in 0.010% of alleles in individuals of Latino descent in gnomAD. At this time, the clinical significance of this variant is uncertain due to the absence of conclusive functional and genetic evidence.